The following is an entry in ClinVar:

NM_000465.4(BARD1):c.177G>A (p.Glu59=)

Gene: BARD1 (BRCA1 associated RING domain 1; minus strand). Cytogenetic location: 2q35.
Variant type: single nucleotide variant.
Coding change: c.177G>A on transcript NM_000465.4 (MANE Select); coding-DNA position 177, G replaced by A.
Protein change: p.Glu59=; no amino-acid change (glutamic acid 59 retained).
Molecular consequence: synonymous variant. On other transcripts: non-coding transcript variant (2), intron variant (2).
Genome position (GRCh38, 1-based): chr2:214,797,099, C>T on the plus strand (G>A on the coding strand, the complement: BARD1 is on the minus strand). VCF-style: chr2-214797099-C-T. GRCh37 (hg19) VCF-style: chr2-215661823-C-T.
Other names: c.177G>A (NM_000465.3); c.177G>A, p.Glu59= (NM_001282545.2, NM_001282549.2); c.158+12313G>A (NM_001282548.2); c.159-4654G>A (NM_001282543.2).
Identifiers: ClinVar variation 1779958 (VCV001779958.9), dbSNP rs1060501307, ClinGen allele CA431144856.

ClinVar aggregate classification (germline): Benign/Likely benign. Review status: criteria provided, multiple submitters, no conflicts (2 of 4 stars). 4 submissions from 4 submitters: Benign (1); Likely benign (3). Last evaluated 2024-12-12.

Conditions:
Hereditary cancer-predisposing syndrome. Also called: Neoplastic Syndromes, Hereditary; Tumor predisposition; Hereditary Cancer Syndrome; Hereditary neoplastic syndrome. Identifiers: Orphanet 140162, MedGen C0027672, MeSH D009386, MONDO:0015356.
Familial cancer of breast. Also called: BREAST CANCER, FAMILIAL; Hereditary breast cancer; hereditary breast carcinoma. Identifiers: Orphanet 227535, MedGen C0346153, MONDO:0016419, OMIM 114480. Disease mechanism: loss of function.
Hereditary breast ovarian cancer syndrome. Also called: Hereditary breast and ovarian cancer; Hereditary breast and ovarian cancer syndrome; Breast and ovarian cancer; Hereditary breast and/or ovarian cancer syndrome; BRCA1- and BRCA2-Associated Hereditary Breast and Ovarian Cancer; Hereditary breast and ovarian cancer syndrome (HBOC). Identifiers: Orphanet 145, MedGen C0677776, MeSH D061325, MONDO:0003582. Disease mechanism: loss of function.

Submissions (4):

Labcorp Genetics (formerly Invitae), Labcorp
Classification: Likely benign for Familial cancer of breast. Last evaluated: 2024-12-12. Review status: criteria provided, single submitter. Criteria: Invitae Variant Classification Sherloc (09022015). Collection method: clinical testing. Allele origin: germline.

Myriad Genetics, Inc.
Classification: Benign for Familial cancer of breast. Last evaluated: 2024-07-18. Review status: criteria provided, single submitter. Criteria: Myriad Autosomal Dominant, Autosomal Recessive and X-Linked Classification Criteria (2023). Collection method: clinical testing. Allele origin: unknown.
Comment: This variant is considered benign. This variant is a silent/synonymous amino acid change and it is not expected to impact splicing.

Department of Pathology and Laboratory Medicine, Sinai Health System
Classification: Likely benign for Hereditary breast ovarian cancer syndrome. Last evaluated: 2023-06-02. Review status: criteria provided, single submitter. Criteria: ACMG Guidelines, 2015. Collection method: clinical testing. Allele origin: germline. Affected: yes.

Ambry Genetics
Classification: Likely benign for Hereditary cancer-predisposing syndrome. Last evaluated: 2021-11-22. Review status: criteria provided, single submitter. Criteria: Ambry Variant Classification Scheme 2023. Collection method: clinical testing. Allele origin: germline.